The following is an entry in ClinVar:

ClinVar aggregate classification (germline): Uncertain significance (1 of 4 stars; one submission).

Submission:

Labcorp Genetics (formerly Invitae), Labcorp
Classification: Uncertain significance. Last evaluated: 2026-01-21. Review status: criteria provided, single submitter. Criteria: Invitae Variant Classification Sherloc (09022015). Collection method: clinical testing. Allele origin: germline.
Comment: This sequence change replaces threonine, which is neutral and polar, with serine, which is neutral and polar, at codon 950 of the ERCC6L2 protein (p.Thr950Ser). This variant is not present in population databases (gnomAD no frequency). This variant has not been reported in the literature in individuals affected with ERCC6L2-related conditions. Experimental studies and prediction algorithms are not available or were not evaluated, and the functional significance of this variant is currently unknown. In summary, the available evidence is currently insufficient to determine the role of this variant in disease. Therefore, it has been classified as a Variant of Uncertain Significance.

NM_020207.7(ERCC6L2):c.2815A>T (p.Thr939Ser)

Gene: ERCC6L2 (ERCC excision repair 6 like 2; plus strand). Cytogenetic location: 9q22.32.
Variant type: single nucleotide variant.
Coding change: c.2815A>T on transcript NM_020207.7 (MANE Select); coding-DNA position 2815, A replaced by T.
Protein change: p.Thr939Ser; replaces threonine 939 with serine.
Molecular consequence: missense variant. On other transcripts: non-coding transcript variant (1).
Genome position (GRCh38, 1-based): chr9:95,972,566, A>T. VCF-style: chr9-95972566-A-T. GRCh37 (hg19) VCF-style: chr9-98734848-A-T.
Other names: c.2815A>T, p.Thr939Ser (NM_001375291.1, NM_001375292.1, NM_001375293.1 and 1 more transcripts); short protein forms T939S.
Identifiers: ClinVar variation 4780860 (VCV004780860.1).